The following is an entry in ClinVar:

NM_001379110.1(SLC9A6):c.1711C>T (p.Leu571Phe)

Gene: SLC9A6 (solute carrier family 9 member A6; plus strand). Cytogenetic location: Xq26.3.
Variant type: single nucleotide variant.
Coding change: c.1711C>T on transcript NM_001379110.1 (MANE Select); coding-DNA position 1711, C replaced by T.
Protein change: p.Leu571Phe; replaces leucine 571 with phenylalanine.
Molecular consequence: missense variant.
Genome position (GRCh38, 1-based): chrX:136,040,125, C>T. VCF-style: chrX-136040125-C-T. GRCh37 (hg19) VCF-style: chrX-135122284-C-T.
Other names: c.1777C>T, p.Leu593Phe (NM_001042537.2); c.1621C>T, p.Leu541Phe (NM_001177651.2); c.1525C>T, p.Leu509Phe (NM_001330652.2); c.1681C>T, p.Leu561Phe (NM_006359.3); short protein forms L509F, L541F, L561F, L571F, L593F.
Identifiers: ClinVar variation 1025118 (VCV001025118.9), dbSNP rs149360465, ClinGen allele CA10524857.

ClinVar aggregate classification (germline): Uncertain significance (1 of 4 stars; one submission).

Conditions:
Christianson syndrome (MRXSCH). Also called: INTELLECTUAL DEVELOPMENTAL DISORDER, X-LINKED, SYNDROMIC, CHRISTIANSON TYPE; SLC9A6-Related Syndromic Mental Retardation; X-linked mental retardation, syndromic, Christianson type. Identifiers: Orphanet 85278, MedGen C2678194, MONDO:0010278, OMIM 300243.

Allele frequency attached by ClinVar (database versions not stated): TOPMed 0.00001; ESP Exome Variant Server 0.00009; ExAC 0.00001; gnomAD exomes 0.00001.

Submission:

Labcorp Genetics (formerly Invitae), Labcorp
Classification: Uncertain significance for Christianson syndrome. Last evaluated: 2022-11-22. Review status: criteria provided, single submitter. Criteria: Invitae Variant Classification Sherloc (09022015). Collection method: clinical testing. Allele origin: germline.
Comment: This variant is not present in population databases (gnomAD no frequency). In summary, the available evidence is currently insufficient to determine the role of this variant in disease. Therefore, it has been classified as a Variant of Uncertain Significance. Advanced modeling of protein sequence and biophysical properties (such as structural, functional, and spatial information, amino acid conservation, physicochemical variation, residue mobility, and thermodynamic stability) performed at Invitae indicates that this missense variant is expected to disrupt SLC9A6 protein function. ClinVar contains an entry for this variant (Variation ID: 1025118). This variant has not been reported in the literature in individuals affected with SLC9A6-related conditions. This sequence change replaces leucine, which is neutral and non-polar, with phenylalanine, which is neutral and non-polar, at codon 561 of the SLC9A6 protein (p.Leu561Phe).